The following is an entry in ClinVar:

NM_000059.4(BRCA2):c.7139A>C (p.His2380Pro)

Gene: BRCA2 (BRCA2 DNA repair associated; plus strand). Cytogenetic location: 13q13.1.
Variant type: single nucleotide variant.
Coding change: c.7139A>C on transcript NM_000059.4 (MANE Select); coding-DNA position 7139, A replaced by C.
Protein change: p.His2380Pro; replaces histidine 2380 with proline.
Molecular consequence: missense variant.
Genome position (GRCh38, 1-based): chr13:32,354,992, A>C. VCF-style: chr13-32354992-A-C. GRCh37 (hg19) VCF-style: chr13-32929129-A-C.
Other names: short protein forms H2380P.
Identifiers: ClinVar variation 479405 (VCV000479405.5), dbSNP rs1555286018, ClinGen allele CA387738951.

ClinVar aggregate classification (germline): Uncertain significance (1 of 4 stars; one submission).

Conditions:
Hereditary cancer-predisposing syndrome. Also called: Neoplastic Syndromes, Hereditary; Hereditary Cancer Syndrome; Hereditary neoplastic syndrome; Tumor predisposition. Identifiers: Orphanet 140162, MedGen C0027672, MeSH D009386, MONDO:0015356.

Submission:

Ambry Genetics
Classification: Uncertain significance for Hereditary cancer-predisposing syndrome. Last evaluated: 2017-09-13. Review status: criteria provided, single submitter. Criteria: Ambry Variant Classification Scheme 2023. Collection method: clinical testing. Allele origin: germline.
Comment: The p.H2380P variant (also known as c.7139A>C), located in coding exon 13 of the BRCA2 gene, results from an A to C substitution at nucleotide position 7139. The histidine at codon 2380 is replaced by proline, an amino acid with similar properties. This amino acid position is poorly conserved in available vertebrate species. In addition, this alteration is predicted to be tolerated by in silico analysis. Since supporting evidence is limited at this time, the clinical significance of this alteration remains unclear.